The following is an entry in ClinVar:

NM_001183.6(ATP6AP1):c.96GGC[8] (p.Ala41_Glu42insAla)

Gene: ATP6AP1 (ATPase H+ transporting accessory protein 1; plus strand). Cytogenetic location: Xq28.
Variant type: Microsatellite.
Coding change: c.96GGC[8] on transcript NM_001183.6 (MANE Select); eight copies in a row of the 3-base unit GGC starting at c.96; the reference has seven copies in a row; one copy, 3 bases duplicated.
Protein change: p.Ala41_Glu42insAla.
Molecular consequence: inframe insertion.
Genome position (GRCh38, 1-based): chrX:154,428,806-154,428,808, GGC duplicated; duplicating any 3 consecutive bases within chrX:154,428,788-154,428,808 gives the same sequence; the position shown is the placement nearest the transcript's 3' end. VCF-style (leftmost placement, unchanged base first): chrX-154428787-T-TGGC. GRCh37 (hg19) VCF-style: chrX-153657133-T-TGGC.
Identifiers: ClinVar variation 2058049 (VCV002058049.13), dbSNP rs781797236, ClinGen allele CA10562504.
Genomic context (GRCh38, chrX:154,428,787, plus strand): 5'-TGGGGCCGCGGTGCGCCCAGGCGCTCTGGCGCATGCCGTGGCTGCCGGTGTTTTTGTCGT[T>TGGC]GGCGGCGGCGGCGGCGGCGGCAGCGGCGGAGCAGCAGGTCCCGCTGGTGCTGTGGTCGAG-3'

ClinVar aggregate classification (germline): Benign/Likely benign. Review status: criteria provided, multiple submitters, no conflicts (2 of 4 stars). 3 submissions from 3 submitters: Benign (1); Likely benign (2). Last evaluated 2026-06-01.

Conditions:
Inborn genetic diseases. Identifiers: MedGen C0950123, MeSH D030342.

Submissions (3):

CeGaT Center for Human Genetics Tuebingen
Classification: Likely benign. Last evaluated: 2026-06-01. Review status: criteria provided, single submitter. Criteria: CeGaT Center For Human Genetics Tuebingen Variant Classification Criteria Version 2. Collection method: clinical testing. Allele origin: germline. Affected: yes. Observed: 3 variant alleles.
Comment: ATP6AP1: BS1

Labcorp Genetics (formerly Invitae), Labcorp
Classification: Benign. Last evaluated: 2025-12-27. Review status: criteria provided, single submitter. Criteria: Invitae Variant Classification Sherloc (09022015). Collection method: clinical testing. Allele origin: germline.

Ambry Genetics
Classification: Likely benign for Inborn genetic diseases. Last evaluated: 2021-11-19. Review status: criteria provided, single submitter. Criteria: Ambry Variant Classification Scheme 2023. Collection method: clinical testing. Allele origin: germline.